The following is an entry in ClinVar:

NM_000553.6(WRN):c.1157A>G (p.Asn386Ser)

Gene: WRN (WRN RecQ like helicase; plus strand). Cytogenetic location: 8p12.
Variant type: single nucleotide variant.
Coding change: c.1157A>G on transcript NM_000553.6 (MANE Select); coding-DNA position 1157, A replaced by G.
Protein change: p.Asn386Ser; replaces asparagine 386 with serine.
Molecular consequence: missense variant.
Genome position (GRCh38, 1-based): chr8:31,081,184, A>G. VCF-style: chr8-31081184-A-G. GRCh37 (hg19) VCF-style: chr8-30938700-A-G.
Other names: short protein forms N386S.
Identifiers: ClinVar variation 1059223 (VCV001059223.3), dbSNP rs2130120537, ClinGen allele CA370921013.

ClinVar aggregate classification (germline): Uncertain significance (1 of 4 stars; one submission).

Conditions:
Werner syndrome (WRN). Identifiers: Orphanet 902, MedGen C0043119, MONDO:0010196, OMIM 277700.

Submission:

Labcorp Genetics (formerly Invitae), Labcorp
Classification: Uncertain significance for Werner syndrome. Last evaluated: 2020-05-14. Review status: criteria provided, single submitter. Criteria: Invitae Variant Classification Sherloc (09022015). Collection method: clinical testing. Allele origin: germline.
Comment: In summary, the available evidence is currently insufficient to determine the role of this variant in disease. Therefore, it has been classified as a Variant of Uncertain Significance. Algorithms developed to predict the effect of sequence changes on RNA splicing suggest that this variant may create or strengthen a splice site, but this prediction has not been confirmed by published transcriptional studies. Algorithms developed to predict the effect of missense changes on protein structure and function are either unavailable or do not agree on the potential impact of this missense change (SIFT: "Not Available"; PolyPhen-2: "Benign"; Align-GVGD: "Not Available"). This variant has not been reported in the literature in individuals with WRN-related conditions. This variant is not present in population databases (ExAC no frequency). This sequence change replaces asparagine with serine at codon 386 of the WRN protein (p.Asn386Ser). The asparagine residue is weakly conserved and there is a small physicochemical difference between asparagine and serine.